The following is an entry in ClinVar:

ClinVar aggregate classification (germline): Uncertain significance. Review status: criteria provided, multiple submitters, no conflicts (2 of 4 stars). 3 submissions from 3 submitters: Uncertain significance (3). Last evaluated 2025-09-26.

Conditions:
Age related macular degeneration 13. Identifiers: MedGen C3809523, MONDO:0014189, OMIM 615439.
Atypical hemolytic-uremic syndrome with I factor anomaly. Also called: AHUS, SUSCEPTIBILITY TO, 3; HEMOLYTIC UREMIC SYNDROME, ATYPICAL, SUSCEPTIBILITY TO, 3. Identifiers: Orphanet 2134, MedGen C2752039, MONDO:0013041, OMIM 612923.
Factor I deficiency (CFID). Also called: Complement factor I deficiency. Identifiers: Orphanet 200418, MedGen C3463916, MONDO:0012594, OMIM 610984.
CFI-related disorder. Also called: CFI-related disorders; CFI-related condition. Identifiers: MedGen CN239325.

Allele frequency attached by ClinVar (database versions not stated): ExAC 0.00002; gnomAD 0.00004; TOPMed 0.00006; ESP Exome Variant Server 0.00008.
gnomAD v4.1: 89 of 1,613,584 alleles (0.0055%); highest among the groups gnomAD compares: Non-Finnish European, 0.0074%; no homozygotes.

Submissions (3):

Genomenon, Inc
Classification: Uncertain significance for CFI-related disorder. Last evaluated: 2025-09-26. Review status: criteria provided, single submitter. Criteria: Genomenon Sequence Variant Interpretation Standards - Updated. Collection method: curation. Allele origin: germline. Affected: no.
Comment: CFI p.Ile492Leu (c.1474A>C) is a missense variant that changes the amino acid at residue 492 from Isoleucine to Leucine. To our knowledge, this variant has not been reported in patients affected with CFI-related disorders in the published literature. Functional studies have been reported; however, the significance of the findings remain unclear (PMID:35531992;32510551;32908800). It is absent or not present at a significant frequency in gnomAD. In silico models agree that this variant is not damaging. In conclusion, we classify CFI p.Ile492Leu (c.1474A>C) as a variant of unknown significance.

Labcorp Genetics (formerly Invitae), Labcorp
Classification: Uncertain significance. Last evaluated: 2025-06-27. Review status: criteria provided, single submitter. Criteria: Invitae Variant Classification Sherloc (09022015). Collection method: clinical testing. Allele origin: germline.
Comment: This sequence change replaces isoleucine, which is neutral and non-polar, with leucine, which is neutral and non-polar, at codon 492 of the CFI protein (p.Ile492Leu). This variant is present in population databases (rs200025458, gnomAD 0.004%). This variant has not been reported in the literature in individuals affected with CFI-related conditions. ClinVar contains an entry for this variant (Variation ID: 2203557). Invitae Evidence Modeling of protein sequence and biophysical properties (such as structural, functional, and spatial information, amino acid conservation, physicochemical variation, residue mobility, and thermodynamic stability) indicates that this missense variant is not expected to disrupt CFI protein function with a negative predictive value of 80%. In summary, the available evidence is currently insufficient to determine the role of this variant in disease. Therefore, it has been classified as a Variant of Uncertain Significance.

Fulgent Genetics
Classification: Uncertain significance for Factor I deficiency; Atypical hemolytic-uremic syndrome with I factor anomaly; Age related macular degeneration 13. Last evaluated: 2024-02-15. Review status: criteria provided, single submitter. Criteria: ACMG Guidelines, 2015. Collection method: clinical testing. Allele origin: germline.

Literature cited by the submitters: PubMed 35531992 (cited by Genomenon, Inc); 32510551 (cited by Genomenon, Inc); 32908800 (cited by Genomenon, Inc).

NM_000204.5(CFI):c.1474A>C (p.Ile492Leu)

Gene: CFI (complement factor I; minus strand). Cytogenetic location: 4q25.
Variant type: single nucleotide variant.
Coding change: c.1474A>C on transcript NM_000204.5 (MANE Select); coding-DNA position 1474, A replaced by C.
Protein change: p.Ile492Leu; replaces isoleucine 492 with leucine.
Molecular consequence: missense variant. On other transcripts: non-coding transcript variant (3).
Genome position (GRCh38, 1-based): chr4:109,742,551, T>G on the plus strand (A>C on the coding strand, the complement: CFI is on the minus strand). VCF-style: chr4-109742551-T-G. GRCh37 (hg19) VCF-style: chr4-110663707-T-G.
Other names: c.1498A>C, p.Ile500Leu (NM_001318057.2, NM_001375278.1); c.1453A>C, p.Ile485Leu (NM_001331035.2, NM_001375280.1, NM_001375282.1); c.1474A>C, p.Ile492Leu (NM_001375279.1, NM_001375281.1); c.1417A>C, p.Ile473Leu (NM_001375283.1); c.865A>C, p.Ile289Leu (NM_001375284.1); short protein forms I473L, I289L, I492L, I500L, I485L.
Identifiers: ClinVar variation 2203557 (VCV002203557.6), dbSNP rs200025458, ClinGen allele CA3041888.